The following is an entry in ClinVar:

ClinVar aggregate classification (germline): Pathogenic (1 of 4 stars; one submission).

Conditions:
Meckel-Gruber syndrome. Also called: DYSENCEPHALIA SPLANCHNOCYSTICA; GRUBER SYNDROME; Dysencephalia splachnocystica. Identifiers: Orphanet 564, MedGen C0265215, MONDO:0018921.
Nephronophthisis. Also called: Juvenile Nephronophthisis. Identifiers: Orphanet 655, MedGen C0687120, MONDO:0019005, HP:0000090.
Joubert syndrome. Also called: CEREBELLOPARENCHYMAL DISORDER IV; JOUBERT-BOLTSHAUSER SYNDROME; Familial aplasia of the vermis. Identifiers: Orphanet 475, MedGen C5979921, MONDO:0018772.

Submission:

Labcorp Genetics (formerly Invitae), Labcorp
Classification: Pathogenic for Joubert syndrome; Meckel-Gruber syndrome; Nephronophthisis. Last evaluated: 2019-09-03. Review status: criteria provided, single submitter. Criteria: Invitae Variant Classification Sherloc (09022015). Collection method: clinical testing. Allele origin: germline.
Comment: A gross deletion of the genomic region encompassing the full coding sequence of the CEP290 gene has been identified. The boundaries of this event are unknown as the deletion extends beyond the assayed region for this gene and therefore may encompass additional genes. Isolated whole-gene deletions of CEP290 have not been reported in the literature. However, larger copy number events that include this gene have been reported (PMID:23954617, 27821535, 19764032). Loss-of-function variants in CEP290 are known to be pathogenic (PMID: 16909394, 17345604, 20690115, 25377065, 28559085). For these reasons, this variant has been classified as Pathogenic.

Literature cited by the submitters: PubMed 23954617; PubMed 19764032; PubMed 27821535.

NC_000012.12:g.(?_87983103)_(88507137_?)del

Genes: CEP290 (centrosomal protein 290; minus strand), KITLG (KIT ligand; minus strand), RLIG1 (RNA 5'-phosphate and 3'-OH ligase 1; plus strand), TMTC3 (transmembrane O-mannosyltransferase targeting cadherins 3; plus strand), ZC3H11D (zinc finger CCCH-type containing 11D; minus strand). Cytogenetic location: 12q21.32.
Variant type: Deletion.
Identifiers: ClinVar variation 833257 (VCV000833257.1).